The following is an entry in ClinVar:

NM_203447.4(DOCK8):c.1787A>G (p.Asn596Ser)

Gene: DOCK8 (dedicator of cytokinesis 8; plus strand). Cytogenetic location: 9p24.3.
Variant type: single nucleotide variant.
Coding change: c.1787A>G on transcript NM_203447.4 (MANE Select); coding-DNA position 1787, A replaced by G.
Protein change: p.Asn596Ser; replaces asparagine 596 with serine.
Molecular consequence: missense variant.
Genome position (GRCh38, 1-based): chr9:368,125, A>G. VCF-style: chr9-368125-A-G. GRCh37 (hg19) VCF-style: chr9-368125-A-G.
Other names: c.1787A>G (NM_203447.3); c.1583A>G, p.Asn528Ser (NM_001190458.2, NM_001193536.2); short protein forms N528S, N596S.
Identifiers: ClinVar variation 1008239 (VCV001008239.8), dbSNP rs367602254, ClinGen allele CA187804719.

ClinVar aggregate classification (germline): Uncertain significance. Review status: criteria provided, multiple submitters, no conflicts (2 of 4 stars). 2 submissions from 2 submitters: Uncertain significance (2). Last evaluated 2021-08-28.

Conditions:
Combined immunodeficiency due to DOCK8 deficiency (HIES2). Also called: HIES autosomal recessive; Hyper-IgE recurrent infection syndrome, autosomal recessive; DOCK8 Deficiency; HYPER-IgE RECURRENT INFECTION SYNDROME 2, AUTOSOMAL RECESSIVE; HYPER-IgE SYNDROME 2, AUTOSOMAL RECESSIVE, WITH RECURRENT INFECTIONS. Identifiers: Orphanet 217390, MedGen C4722305, MONDO:0009478, OMIM 243700.

Allele frequency attached by ClinVar (database versions not stated): gnomAD exomes below 0.00001; gnomAD 0.00001; TOPMed 0.00002; ESP Exome Variant Server 0.00008.
gnomAD v4.1: 4 of 1,613,824 alleles (0.00025%); highest among the groups gnomAD compares: African/African-American, 0.0053%; no homozygotes.

Submissions (2):

Labcorp Genetics (formerly Invitae), Labcorp
Classification: Uncertain significance for Combined immunodeficiency due to DOCK8 deficiency. Last evaluated: 2021-08-28. Review status: criteria provided, single submitter. Criteria: Invitae Variant Classification Sherloc (09022015). Collection method: clinical testing. Allele origin: germline.
Comment: This sequence change replaces asparagine with serine at codon 596 of the DOCK8 protein (p.Asn596Ser). The asparagine residue is weakly conserved and there is a small physicochemical difference between asparagine and serine. This variant is not present in population databases (ExAC no frequency). This variant has not been reported in the literature in individuals affected with DOCK8-related conditions. Algorithms developed to predict the effect of missense changes on protein structure and function output the following: SIFT: "Tolerated"; PolyPhen-2: "Benign"; Align-GVGD: "Class C0". The serine amino acid residue is found in multiple mammalian species, which suggests that this missense change does not adversely affect protein function. In summary, the available evidence is currently insufficient to determine the role of this variant in disease. Therefore, it has been classified as a Variant of Uncertain Significance.

Revvity Omics, Revvity
Classification: Uncertain significance for Combined immunodeficiency due to DOCK8 deficiency. Last evaluated: 2020-02-19. Review status: criteria provided, single submitter. Criteria: ACMG Guidelines, 2015. Collection method: clinical testing. Allele origin: germline.